The following is an entry in ClinVar:

ClinVar aggregate classification (germline): Uncertain significance (1 of 4 stars; one submission).

Conditions:
Inborn genetic diseases. Identifiers: MedGen C0950123, MeSH D030342.

Submission:

Ambry Genetics
Classification: Uncertain significance for Inborn genetic diseases. Last evaluated: 2026-05-04. Review status: criteria provided, single submitter. Criteria: Ambry Variant Classification Scheme 2023. Collection method: clinical testing. Allele origin: germline.
Comment: The p.A391V variant (also known as c.1172C>T), located in coding exon 9 of the BMPR2 gene, results from a C to T substitution at nucleotide position 1172. The alanine at codon 391 is replaced by valine, an amino acid with similar properties. This amino acid position is conserved. In addition, this alteration is predicted to be deleterious by in silico analysis. Based on the available evidence, the clinical significance of this variant remains unclear.

NM_001204.7(BMPR2):c.1172C>T (p.Ala391Val)

Gene: BMPR2 (bone morphogenetic protein receptor type 2; plus strand). Cytogenetic location: 2q33.2.
Variant type: single nucleotide variant.
Coding change: c.1172C>T on transcript NM_001204.7 (MANE Select); coding-DNA position 1172, C replaced by T.
Protein change: p.Ala391Val; replaces alanine 391 with valine.
Molecular consequence: missense variant.
Genome position (GRCh38, 1-based): chr2:202,532,628, C>T. VCF-style: chr2-202532628-C-T. GRCh37 (hg19) VCF-style: chr2-203397351-C-T.
Other names: short protein forms A391V.
Identifiers: ClinVar variation 4867627 (VCV004867627.1).
Genomic context (GRCh38, chr2:202,532,628, plus strand): 5'-TCACTCTAATTTATCAGGTTGGCACTATCAGATATATGGCACCAGAAGTGCTAGAAGGAG[C>T]TGTGAACTTGAGGGACTGTGAATCAGCTTTGAAACAAGTAGACATGTATGCTCTTGGACT-3'
Protein context (NP_001195.2, residues 381-401): RYMAPEVLEG[Ala391Val]VNLRDCESAL